The following is an entry in ClinVar:

ClinVar aggregate classification (germline): Benign/Likely benign. Review status: criteria provided, multiple submitters, no conflicts (2 of 4 stars). 3 submissions from 3 submitters: Benign (1); Likely benign (2). Last evaluated 2025-08-11.

Conditions:
Oligodontia-cancer predisposition syndrome. Also called: TOOTH AGENESIS-COLORECTAL CANCER SYNDROME. Identifiers: Orphanet 300576, MedGen C1837750, MONDO:0012075, OMIM 608615. Disease mechanism: loss of function.
Hereditary cancer-predisposing syndrome. Also called: Tumor predisposition; Hereditary neoplastic syndrome; Hereditary Cancer Syndrome; Neoplastic Syndromes, Hereditary. Identifiers: Orphanet 140162, MedGen C0027672, MeSH D009386, MONDO:0015356.

Submissions (3):

Labcorp Genetics (formerly Invitae), Labcorp
Classification: Likely benign for Oligodontia-cancer predisposition syndrome. Last evaluated: 2025-08-11. Review status: criteria provided, single submitter. Criteria: Invitae Variant Classification Sherloc (09022015). Collection method: clinical testing. Allele origin: germline.

Ambry Genetics
Classification: Likely benign for Hereditary cancer-predisposing syndrome. Last evaluated: 2024-10-24. Review status: criteria provided, single submitter. Criteria: Ambry Variant Classification Scheme 2023. Collection method: clinical testing. Allele origin: germline.

Myriad Genetics, Inc.
Classification: Benign for Oligodontia-cancer predisposition syndrome. Last evaluated: 2024-06-28. Review status: criteria provided, single submitter. Criteria: Myriad Autosomal Dominant, Autosomal Recessive and X-Linked Classification Criteria (2023). Collection method: clinical testing. Allele origin: unknown.
Comment: This variant is considered benign. This variant is a silent/synonymous amino acid change and it is not expected to impact splicing.

NM_004655.4(AXIN2):c.885C>T (p.Thr295=)

Gene: AXIN2 (axin 2; minus strand). Cytogenetic location: 17q24.1.
Variant type: single nucleotide variant.
Coding change: c.885C>T on transcript NM_004655.4 (MANE Select); coding-DNA position 885, C replaced by T.
Protein change: p.Thr295=; no amino-acid change (threonine 295 retained).
Molecular consequence: synonymous variant.
Genome position (GRCh38, 1-based): chr17:65,549,591, G>A on the plus strand (C>T on the coding strand, the complement: AXIN2 is on the minus strand). VCF-style: chr17-65549591-G-A. GRCh37 (hg19) VCF-style: chr17-63545709-G-A.
Other names: c.885C>T, p.Thr295= (NM_001363813.1); c.885C>T (NM_004655.3).
Identifiers: ClinVar variation 1098074 (VCV001098074.11), dbSNP rs2144538903, ClinGen allele CA501476704.